The following is an entry in ClinVar:

ClinVar aggregate classification (germline): Uncertain significance (1 of 4 stars; one submission).

Conditions:
Inborn genetic diseases. Identifiers: MedGen C0950123, MeSH D030342.

gnomAD v4.1: 1 of 1,613,778 alleles (0.000062%); highest among the groups gnomAD compares: South Asian, 0.0011%; no homozygotes.

Submission:

Ambry Genetics
Classification: Uncertain significance for Inborn genetic diseases. Last evaluated: 2026-09-06. Review status: criteria provided, single submitter. Criteria: Ambry Variant Classification Scheme 2023. Collection method: clinical testing. Allele origin: germline.
Comment: The p.N963K variant (also known as c.2889T>G), located in coding exon 24 of the ANKRD26 gene, results from a T to G substitution at nucleotide position 2889. The asparagine at codon 963 is replaced by lysine, an amino acid with similar properties. This amino acid position is conserved. In addition, this alteration is predicted to be tolerated by in silico analysis. Based on the available evidence, the clinical significance of this variant remains unclear.

NM_014915.3(ANKRD26):c.2889T>G (p.Asn963Lys)

Gene: ANKRD26 (ankyrin repeat domain 26; minus strand). Cytogenetic location: 10p12.1.
Variant type: single nucleotide variant.
Coding change: c.2889T>G on transcript NM_014915.3 (MANE Select); coding-DNA position 2889, T replaced by G.
Protein change: p.Asn963Lys; replaces asparagine 963 with lysine.
Molecular consequence: missense variant.
Genome position (GRCh38, 1-based): chr10:27,035,561, A>C on the plus strand (T>G on the coding strand, the complement: ANKRD26 is on the minus strand). VCF-style: chr10-27035561-A-C. GRCh37 (hg19) VCF-style: chr10-27324490-A-C.
Other names: c.2886T>G, p.Asn962Lys (NM_001256053.2); short protein forms N962K, N963K.
Identifiers: ClinVar variation 5023793 (VCV005023793.1).